The following is an entry in ClinVar:

NM_001395413.1(POR):c.335del (p.Ala112fs)

Gene: POR (cytochrome p450 oxidoreductase; plus strand). Cytogenetic location: 7q11.23.
Variant type: Deletion.
Coding change: c.335del on transcript NM_001395413.1 (MANE Select); coding-DNA position 335, one base deleted (C; older notation c.335delC).
Protein change: p.Ala112fs; shifts the reading frame from alanine 112.
Molecular consequence: frameshift variant.
Genome position (GRCh38, 1-based): chr7:75,979,557, C deleted. VCF-style (leftmost placement, unchanged base first): chr7-75979556-GC-G. GRCh37 (hg19) VCF-style: chr7-75608874-GC-G.
Other names: c.335delC (NM_001395413.1); c.344delC, p.Ala115Glyfs (NM_000941.2, NM_000941.3); c.335del, p.Ala112fs (NM_001367562.3, NM_001382657.2, NM_001382658.3 and 2 more transcripts); c.389del, p.Ala130fs (NM_001382655.3); short protein forms A112fs, A130fs.
Identifiers: ClinVar variation 3068964 (VCV003068964.2), dbSNP rs2545335404, ClinGen allele CA2825001571.

ClinVar aggregate classification (germline): Pathogenic (1 of 4 stars; one submission).

Conditions:
Congenital adrenal hyperplasia. Identifiers: Orphanet 418, MedGen C0001627, MONDO:0018479, HP:0008258.

Submission:

Women's Health and Genetics/Laboratory Corporation of America, LabCorp
Classification: Pathogenic for Congenital adrenal hyperplasia. Last evaluated: 2024-02-05. Review status: criteria provided, single submitter. Criteria: LabCorp Variant Classification Summary - May 2015. Collection method: clinical testing. Allele origin: germline.
Comment: Variant summary: POR c.335delC (p.Ala112GlyfsX11) results in a premature termination codon, predicted to cause a truncation of the encoded protein or absence of the protein due to nonsense mediated decay, which are commonly known mechanisms for disease. The variant was absent in 248082 control chromosomes (gnomAD). To our knowledge, no occurrence of c.335delC in individuals affected with Congenital Adrenal Hyperplasia and no experimental evidence demonstrating its impact on protein function have been reported. No submitters have cited clinical-significance assessments for this variant to ClinVar. Based on the evidence outlined above, the variant was classified as pathogenic.